The following is an entry in ClinVar:

ClinVar aggregate classification (germline): Likely benign. Review status: criteria provided, multiple submitters, no conflicts (2 of 4 stars). 3 submissions from 3 submitters: Likely benign (3). Last evaluated 2026-08-10.

Conditions:
SCLT1-related disorder. Also called: SCLT1-related condition.

Allele frequency attached by ClinVar (database versions not stated): TOPMed 0.00003; ExAC 0.00004; gnomAD exomes 0.00004 and 0.00009; gnomAD 0.00006 and 0.00007; ESP Exome Variant Server 0.00015.
gnomAD v4.1: 135 of 1,612,516 alleles (0.0084%); highest among the groups gnomAD compares: Non-Finnish European, 0.011%; 1 homozygote.

Submissions (3):

PreventionGenetics, part of Exact Sciences
Classification: Likely benign for SCLT1-related condition. Last evaluated: 2026-08-10. Review status: criteria provided, single submitter. Criteria: ACMG Guidelines, 2015. Collection method: clinical testing. Allele origin: germline.
Comment: This variant is classified as likely benign based on ACMG/AMP sequence variant interpretation guidelines (Richards et al. 2015 PMID: 25741868, with internal and published modifications).

Labcorp Genetics (formerly Invitae), Labcorp
Classification: Likely benign. Last evaluated: 2024-10-31. Review status: criteria provided, single submitter. Criteria: Invitae Variant Classification Sherloc (09022015). Collection method: clinical testing. Allele origin: germline.

Blueprint Genetics
Classification: Likely benign. Last evaluated: 2024-05-23. Review status: criteria provided, single submitter. Criteria: ACMG Guidelines, 2015. Collection method: clinical testing. Allele origin: germline.

NM_144643.4(SCLT1):c.1893T>C (p.Asn631=)

Gene: SCLT1 (sodium channel and clathrin linker 1; minus strand). Cytogenetic location: 4q28.2.
Variant type: single nucleotide variant.
Coding change: c.1893T>C on transcript NM_144643.4 (MANE Select); coding-DNA position 1893, T replaced by C.
Protein change: p.Asn631=; no amino-acid change (asparagine 631 retained).
Molecular consequence: synonymous variant.
Genome position (GRCh38, 1-based): chr4:128,891,074, A>G on the plus strand (T>C on the coding strand, the complement: SCLT1 is on the minus strand). VCF-style: chr4-128891074-A-G. GRCh37 (hg19) VCF-style: chr4-129812229-A-G.
Other names: c.1893T>C (NM_144643.3).
Identifiers: ClinVar variation 1603592 (VCV001603592.10), dbSNP rs150924676, ClinGen allele CA3079486.